The following is an entry in ClinVar:

NM_000179.3(MSH6):c.83C>T (p.Ser28Leu)

Gene: MSH6 (mutS homolog 6; plus strand). Cytogenetic location: 2p16.3.
Variant type: single nucleotide variant.
Coding change: c.83C>T on transcript NM_000179.3 (MANE Select); coding-DNA position 83, C replaced by T.
Protein change: p.Ser28Leu; replaces serine 28 with leucine.
Molecular consequence: missense variant. On other transcripts: 5 prime UTR variant (1).
Genome position (GRCh38, 1-based): chr2:47,783,316, C>T. VCF-style: chr2-47783316-C-T. GRCh37 (hg19) VCF-style: chr2-48010455-C-T.
Other names: c.83C>T, p.Ser28Leu (NM_001281492.2); c.-654C>T (NM_001281493.2); short protein forms S28L.
Identifiers: ClinVar variation 455351 (VCV000455351.22), dbSNP rs750949635, ClinGen allele CA073484.

ClinVar aggregate classification (germline): Conflicting classifications of pathogenicity. Review status: criteria provided, conflicting classifications (1 of 4 stars). 6 submissions from 6 submitters: Uncertain significance (5); Likely benign (1). Last evaluated 2025-05-29.

Conditions:
Hereditary nonpolyposis colorectal neoplasms. Identifiers: MedGen C0009405, MeSH D003123.
Hereditary cancer-predisposing syndrome. Also called: Hereditary Cancer Syndrome; Hereditary neoplastic syndrome; Neoplastic Syndromes, Hereditary; Tumor predisposition. Identifiers: Orphanet 140162, MedGen C0027672, MeSH D009386, MONDO:0015356.
Lynch syndrome. Identifiers: Orphanet 144, MedGen C4552100, MONDO:0005835. Disease mechanism: loss of function.

Allele frequency attached by ClinVar (database versions not stated): gnomAD exomes 0.00001; ExAC 0.00002.
gnomAD v4.1: 3 of 1,611,548 alleles (0.00019%); highest among the groups gnomAD compares: Non-Finnish European, 0.00017%; no homozygotes.

Submissions (6):

Ambry Genetics
Classification: Uncertain significance for Hereditary cancer-predisposing syndrome. Last evaluated: 2025-05-29. Review status: criteria provided, single submitter. Criteria: Ambry Variant Classification Scheme 2023. Collection method: clinical testing. Allele origin: germline.
Comment: The p.S28L variant (also known as c.83C>T), located in coding exon 1 of the MSH6 gene, results from a C to T substitution at nucleotide position 83. The serine at codon 28 is replaced by leucine, an amino acid with dissimilar properties. This amino acid position is well conserved in available vertebrate species. In addition, this alteration is predicted to be tolerated by in silico analysis. Since supporting evidence is limited at this time, the clinical significance of this alteration remains unclear.

Institute for Biomarker Research, Medical Diagnostic Laboratories, L.L.C.
Classification: Uncertain significance for Hereditary cancer-predisposing syndrome. Last evaluated: 2025-03-14. Review status: criteria provided, single submitter. Criteria: ACMG Guidelines, 2015. Collection method: clinical testing. Allele origin: germline.
Comment: The missense variant NM_000179.3(MSH6):c.83C>T (p.Ser28Leu) has not been reported previously as a pathogenic variant, to our knowledge.The p.Ser28Leu variant is novel (not in any individuals) in 1kG. There is a large physicochemical difference between serine and leucine, which is likely to impact secondary protein structure as these residues differ in polarity, charge, size and/or other properties. For these reasons, this variant has been classified as Uncertain Significance.

All of Us Research Program, National Institutes of Health
Classification: Uncertain significance for Lynch syndrome. Last evaluated: 2024-01-11. Review status: criteria provided, single submitter. Criteria: ACMG Guidelines, 2015. Collection method: clinical testing. Allele origin: germline. Inheritance: Autosomal dominant inheritance. Observed: 1 variant allele, 1 heterozygote.
Comment: This missense variant replaces serine with leucine at codon 28 of the MSH6 protein. Computational prediction suggests that this variant may not impact protein structure and function (internally defined REVEL score threshold <= 0.5, PMID: 27666373). To our knowledge, functional studies have not been reported for this variant. This variant has not been reported in individuals affected with hereditary cancer in the literature. This variant has been identified in 2/239990 chromosomes in the general population by the Genome Aggregation Database (gnomAD). The available evidence is insufficient to determine the role of this variant in disease conclusively. Therefore, this variant is classified as a Variant of Uncertain Significance.

This study involves interpretation of variants in research participants for the purpose of population health screening. Participant phenotype was not available at the time of variant classification. Additional details can be found in publication PMID: 35346344, PMCID: PMC8962531

Color Diagnostics, LLC DBA Color Health
Classification: Uncertain significance for Hereditary cancer-predisposing syndrome. Last evaluated: 2023-12-11. Review status: criteria provided, single submitter. Criteria: ACMG Guidelines, 2015. Collection method: clinical testing. Allele origin: germline.
Comment: This missense variant replaces serine with leucine at codon 28 of the MSH6 protein. Computational prediction suggests that this variant may not impact protein structure and function (internally defined REVEL score threshold <= 0.5, PMID: 27666373). To our knowledge, functional studies have not been reported for this variant. This variant has not been reported in individuals affected with MSH6-related disorders in the literature. This variant has been identified in 2/239990 chromosomes in the general population by the Genome Aggregation Database (gnomAD). The available evidence is insufficient to determine the role of this variant in disease conclusively. Therefore, this variant is classified as a Variant of Uncertain Significance.

Labcorp Genetics (formerly Invitae), Labcorp
Classification: Likely benign for Hereditary nonpolyposis colorectal neoplasms. Last evaluated: 2023-11-07. Review status: criteria provided, single submitter. Criteria: Invitae Variant Classification Sherloc (09022015). Collection method: clinical testing. Allele origin: germline.

Quest Diagnostics Nichols Institute San Juan Capistrano
Classification: Uncertain significance. Last evaluated: 2022-11-18. Review status: criteria provided, single submitter. Criteria: Quest Diagnostics criteria. Collection method: clinical testing. Allele origin: unknown.
Comment: The variant has not been reported in the published literature. The frequency of this variant in the general population, 0.0000083 (2/239990 chromosomes), is uninformative in assessment of its pathogenicity. Analysis of this variant using bioinformatics tools for the prediction of the effect of amino acid changes on protein structure and function yielded predictions that this variant is benign. Based on the available information, we are unable to determine the clinical significance of this variant.